The following is an entry in ClinVar:

ClinVar aggregate classification (germline): Uncertain significance. Review status: criteria provided, multiple submitters, no conflicts (2 of 4 stars). 2 submissions from 2 submitters: Uncertain significance (2). Last evaluated 2025-08-24.

Conditions:
Inborn genetic diseases. Identifiers: MedGen C0950123, MeSH D030342.

Allele frequency attached by ClinVar (database versions not stated): gnomAD 0.00001; TOPMed 0.00001.
gnomAD v4.1: 22 of 1,612,642 alleles (0.0014%); highest among the groups gnomAD compares: Middle Eastern, 0.033%; no homozygotes.

Submissions (2):

Ambry Genetics
Classification: Uncertain significance for Inborn genetic diseases. Last evaluated: 2025-08-24. Review status: criteria provided, single submitter. Criteria: Ambry Variant Classification Scheme 2023. Collection method: clinical testing. Allele origin: germline.

Labcorp Genetics (formerly Invitae), Labcorp
Classification: Uncertain significance. Last evaluated: 2021-10-09. Review status: criteria provided, single submitter. Criteria: Invitae Variant Classification Sherloc (09022015). Collection method: clinical testing. Allele origin: germline.
Comment: This sequence change replaces glycine with aspartic acid at codon 505 of the GTPBP3 protein (p.Gly505Asp). The glycine residue is highly conserved and there is a moderate physicochemical difference between glycine and aspartic acid. This variant is not present in population databases (ExAC no frequency). This variant has not been reported in the literature in individuals affected with GTPBP3-related conditions. Algorithms developed to predict the effect of missense changes on protein structure and function are either unavailable or do not agree on the potential impact of this missense change (SIFT: "Tolerated"; PolyPhen-2: "Probably Damaging"; Align-GVGD: "Class C0"). In summary, the available evidence is currently insufficient to determine the role of this variant in disease. Therefore, it has been classified as a Variant of Uncertain Significance.

NM_032620.4(GTPBP3):c.1418G>A (p.Gly473Asp)

Gene: GTPBP3 (GTP binding protein 3, mitochondrial; plus strand). Cytogenetic location: 19p13.11.
Variant type: single nucleotide variant.
Coding change: c.1418G>A on transcript NM_032620.4 (MANE Select); coding-DNA position 1418, G replaced by A.
Protein change: p.Gly473Asp; replaces glycine 473 with aspartic acid.
Molecular consequence: missense variant.
Genome position (GRCh38, 1-based): chr19:17,341,642, G>A. VCF-style: chr19-17341642-G-A. GRCh37 (hg19) VCF-style: chr19-17452451-G-A.
Other names: c.1355G>A, p.Gly452Asp (NM_001128855.3); c.1484G>A, p.Gly495Asp (NM_001195422.1); c.1514G>A, p.Gly505Asp (NM_133644.4); c.1514G>A (NM_133644.3); short protein forms G495D, G452D, G473D, G505D.
Identifiers: ClinVar variation 1402539 (VCV001402539.4), dbSNP rs1354298401, ClinGen allele CA404739785.